The following is an entry in ClinVar:

NM_005076.5(CNTN2):c.1517G>A (p.Arg506Gln)

Gene: CNTN2 (contactin 2; plus strand). Cytogenetic location: 1q32.1.
Variant type: single nucleotide variant.
Coding change: c.1517G>A on transcript NM_005076.5 (MANE Select); coding-DNA position 1517, G replaced by A.
Protein change: p.Arg506Gln; replaces arginine 506 with glutamine.
Molecular consequence: missense variant. On other transcripts: non-coding transcript variant (1).
Genome position (GRCh38, 1-based): chr1:205,064,748, G>A. VCF-style: chr1-205064748-G-A. GRCh37 (hg19) VCF-style: chr1-205033876-G-A.
Other names: c.1517G>A, p.Arg506Gln (NM_001346083.2); short protein forms R506Q.
Identifiers: ClinVar variation 958017 (VCV000958017.7), dbSNP rs561892323, ClinGen allele CA1351395.

ClinVar aggregate classification (germline): Uncertain significance (1 of 4 stars; one submission).

Conditions:
Epilepsy, familial adult myoclonic, 5 (EPEO5). Also called: CORTICAL MYOCLONIC TREMOR WITH EPILEPSY, FAMILIAL, 5. Identifiers: Orphanet 86814, MedGen C3809374, MONDO:0014167, OMIM 615400.

Allele frequency attached by ClinVar (database versions not stated): TOPMed below 0.00001; gnomAD 0.00002 and 0.00003; gnomAD exomes 0.00002; ExAC 0.00003; 1000 Genomes Project 30x 0.00016; 1000 Genomes Project 0.00020.
gnomAD v4.1: 25 of 1,613,932 alleles (0.0015%); highest among the groups gnomAD compares: South Asian, 0.019%; no homozygotes.

Submission:

Labcorp Genetics (formerly Invitae), Labcorp
Classification: Uncertain significance for Epilepsy, familial adult myoclonic, 5. Last evaluated: 2022-02-24. Review status: criteria provided, single submitter. Criteria: Invitae Variant Classification Sherloc (09022015). Collection method: clinical testing. Allele origin: germline.
Comment: This sequence change replaces arginine, which is basic and polar, with glutamine, which is neutral and polar, at codon 506 of the CNTN2 protein (p.Arg506Gln). This variant is present in population databases (rs561892323, gnomAD 0.02%). This variant has not been reported in the literature in individuals affected with CNTN2-related conditions. ClinVar contains an entry for this variant (Variation ID: 958017). Algorithms developed to predict the effect of missense changes on protein structure and function are either unavailable or do not agree on the potential impact of this missense change (SIFT: "Deleterious"; PolyPhen-2: "Probably Damaging"; Align-GVGD: "Class C0"). In summary, the available evidence is currently insufficient to determine the role of this variant in disease. Therefore, it has been classified as a Variant of Uncertain Significance.